The following is an entry in ClinVar:

NM_015570.4(AUTS2):c.1214+5G>A

Gene: AUTS2 (activator of transcription and developmental regulator AUTS2; plus strand). Cytogenetic location: 7q11.22.
Variant type: single nucleotide variant.
Coding change: c.1214+5G>A on transcript NM_015570.4 (MANE Select); 5 bases into the intron after coding-DNA position 1214, G replaced by A.
Molecular consequence: intron variant.
Genome position (GRCh38, 1-based): chr7:70,763,346, G>A. VCF-style: chr7-70763346-G-A. GRCh37 (hg19) VCF-style: chr7-70228332-G-A.
Other names: c.1214+5G>A (NM_001127231.3).
Identifiers: ClinVar variation 3774211 (VCV003774211.1).
Genomic context (GRCh38, chr7:70,763,346, plus strand): 5'-CTCTCCCAGCCATTGTCAGCCTACAACAGCAGTAGCTTAAGCCTCAACAGTTTAAGGTGA[G>A]TGGCCTGCTCTTCTTTGGCCTGACTTTTGCCCTCTCCCTGGGGATCAGGTGGGTGGGAGT-3'

ClinVar aggregate classification (germline): Uncertain significance (1 of 4 stars; one submission).

Submission:

GeneDx
Classification: Uncertain significance. Last evaluated: 2024-09-19. Review status: criteria provided, single submitter. Criteria: GeneDx Variant Classification Process June 2021. Collection method: clinical testing. Allele origin: germline. Affected: yes.
Comment: Not observed at significant frequency in large population cohorts (gnomAD); In silico analysis is inconclusive as to whether the variant alters gene splicing. In the absence of RNA/functional studies, the actual effect of this sequence change is unknown.; Has not been previously published as pathogenic or benign to our knowledge